The following is an entry in ClinVar:

NM_000059.4(BRCA2):c.3346_3347del (p.Thr1116fs)

Gene: BRCA2 (BRCA2 DNA repair associated; plus strand). Cytogenetic location: 13q13.1.
Variant type: Deletion.
Coding change: c.3346_3347del on transcript NM_000059.4 (MANE Select); coding-DNA positions 3346 to 3347, 2 bases deleted (AC; older notation c.3346_3347delAC).
Protein change: p.Thr1116fs; shifts the reading frame from threonine 1116.
Molecular consequence: frameshift variant.
Genome position (GRCh38, 1-based): chr13:32,337,701-32,337,702, AC deleted. VCF-style (leftmost placement, unchanged base first): chr13-32337700-TAC-T. GRCh37 (hg19) VCF-style: chr13-32911837-TAC-T.
Other names: 3574delAC; short protein forms T1116fs.
Identifiers: ClinVar variation 266748 (VCV000266748.5), dbSNP rs886040472, ClinGen allele CA10589200.

ClinVar aggregate classification (germline): Pathogenic. Review status: reviewed by expert panel (3 of 4 stars). 2 submissions from 2 submitters: Pathogenic (1). 1 of the submissions does not count toward it. Last evaluated 2016-10-18.

Conditions:
Breast-ovarian cancer, familial, susceptibility to, 2 (BROVCA2). Also called: BRCA2 Hereditary Breast and Ovarian Cancer. Identifiers: Orphanet 145, MedGen C2675520, MONDO:0012933, OMIM 612555. Disease mechanism: loss of function.

Submissions (2):

Evidence-based Network for the Interpretation of Germline Mutant Alleles (ENIGMA)
Classification: Pathogenic for Breast-ovarian cancer, familial, susceptibility to, 2. Last evaluated: 2016-10-18. Review status: reviewed by expert panel. Criteria: ENIGMA BRCA1/2 Classification Criteria (2015). Collection method: curation. Allele origin: germline.
Comment: Variant allele predicted to encode a truncated non-functional protein.

Consortium of Investigators of Modifiers of BRCA1/2 (CIMBA), c/o University of Cambridge
Classification: Pathogenic for Breast-ovarian cancer, familial, susceptibility to, 2. Last evaluated: 2015-10-02. Review status: criteria provided, single submitter. Criteria: CIMBA Mutation Classification guidelines May 2016. Collection method: clinical testing. Allele origin: germline. Not counted in ClinVar's aggregate classification.